The following is an entry in ClinVar:

ClinVar aggregate classification (germline): Uncertain significance (1 of 4 stars; one submission).

Conditions:
Hereditary cancer-predisposing syndrome. Also called: Neoplastic Syndromes, Hereditary; Tumor predisposition; Hereditary neoplastic syndrome; Hereditary Cancer Syndrome. Identifiers: Orphanet 140162, MedGen C0027672, MeSH D009386, MONDO:0015356.

Submission:

Ambry Genetics
Classification: Uncertain significance for Hereditary cancer-predisposing syndrome. Last evaluated: 2024-01-09. Review status: criteria provided, single submitter. Criteria: Ambry Variant Classification Scheme 2023. Collection method: clinical testing. Allele origin: germline.
Comment: The p.R64C variant (also known as c.190C>T), located in coding exon 1 of the VHL gene, results from a C to T substitution at nucleotide position 190. The arginine at codon 64 is replaced by cysteine, an amino acid with highly dissimilar properties. This amino acid position is highly conserved in available vertebrate species. In addition, this alteration is predicted to be deleterious by in silico analysis. Since supporting evidence is limited at this time, the clinical significance of this alteration remains unclear.

NM_000551.4(VHL):c.190C>T (p.Arg64Cys)

Gene: VHL (von Hippel-Lindau tumor suppressor; plus strand). Cytogenetic location: 3p25.3.
Variant type: single nucleotide variant.
Coding change: c.190C>T on transcript NM_000551.4 (MANE Select); coding-DNA position 190, C replaced by T.
Protein change: p.Arg64Cys; replaces arginine 64 with cysteine.
Molecular consequence: missense variant. On other transcripts: non-coding transcript variant (1).
Genome position (GRCh38, 1-based): chr3:10,142,037, C>T. VCF-style: chr3-10142037-C-T. GRCh37 (hg19) VCF-style: chr3-10183721-C-T.
Other names: c.190C>T, p.Arg64Cys (NM_001354723.2, NM_198156.3); short protein forms R64C.
Identifiers: ClinVar variation 3232213 (VCV003232213.1), dbSNP rs1487408934, ClinGen allele CA351748776.